The following is an entry in ClinVar:

NM_000548.5(TSC2):c.1133C>G (p.Pro378Arg)

Gene: TSC2 (TSC complex subunit 2; plus strand). Cytogenetic location: 16p13.3.
Variant type: single nucleotide variant.
Coding change: c.1133C>G on transcript NM_000548.5 (MANE Select); coding-DNA position 1133, C replaced by G.
Protein change: p.Pro378Arg; replaces proline 378 with arginine.
Molecular consequence: missense variant.
Genome position (GRCh38, 1-based): chr16:2,061,884, C>G. VCF-style: chr16-2061884-C-G. GRCh37 (hg19) VCF-style: chr16-2111885-C-G.
Other names: p.Pro378Arg; c.1133C>G, p.Pro378Arg (NM_001077183.3, NM_001114382.3, NM_001363528.2 and 3 more transcripts); c.1022C>G, p.Pro341Arg (NM_001318827.2); c.986C>G, p.Pro329Arg (NM_001318829.2); c.533C>G, p.Pro178Arg (NM_001318831.2); c.1166C>G, p.Pro389Arg (NM_001318832.2); short protein forms P378R, P178R, P329R, P341R, P389R.
Identifiers: ClinVar variation 237959 (VCV000237959.22), dbSNP rs45517154, ClinGen allele CA10583290.

ClinVar aggregate classification (germline): Uncertain significance. Review status: criteria provided, multiple submitters, no conflicts (2 of 4 stars). 8 submissions from 8 submitters: Uncertain significance (8). Last evaluated 2026-02-01.

Conditions:
Isolated focal cortical dysplasia type II (FCORD2). Also called: Focal cortical dysplasia type II; CORTICAL DYSPLASIA OF TAYLOR. Identifiers: Orphanet 268994, MedGen C1846385, MONDO:0011818, OMIM 607341, HP:0032051.
Tuberous sclerosis 2 (TSC2). Identifiers: Orphanet 805, MedGen C1860707, MONDO:0013199, OMIM 613254.
Lymphangiomyomatosis (LAM). Also called: Lymphangioleiomyomatosis; Lymphangioleiomyomatosis, somatic. Identifiers: Orphanet 538, MedGen C0751674, MONDO:0011705, OMIM 606690.
Hereditary cancer-predisposing syndrome. Also called: Tumor predisposition; Hereditary Cancer Syndrome; Hereditary neoplastic syndrome; Neoplastic Syndromes, Hereditary. Identifiers: Orphanet 140162, MedGen C0027672, MeSH D009386, MONDO:0015356.

gnomAD v4.1: 2 of 1,614,132 alleles (0.00012%); highest among the groups gnomAD compares: Non-Finnish European, 0.00017%; no homozygotes.

Submissions (8):

Labcorp Genetics (formerly Invitae), Labcorp
Classification: Uncertain significance for Tuberous sclerosis 2. Last evaluated: 2026-02-01. Review status: criteria provided, single submitter. Criteria: Invitae Variant Classification Sherloc (09022015). Collection method: clinical testing. Allele origin: germline.
Comment: This sequence change replaces proline, which is neutral and non-polar, with arginine, which is basic and polar, at codon 378 of the TSC2 protein (p.Pro378Arg). This variant is not present in population databases (gnomAD no frequency). This variant has not been reported in the literature in individuals affected with TSC2-related conditions. ClinVar contains an entry for this variant (Variation ID: 237959). Invitae Evidence Modeling of protein sequence and biophysical properties (such as structural, functional, and spatial information, amino acid conservation, physicochemical variation, residue mobility, and thermodynamic stability) indicates that this missense variant is not expected to disrupt TSC2 protein function with a negative predictive value of 95%. In summary, the available evidence is currently insufficient to determine the role of this variant in disease. Therefore, it has been classified as a Variant of Uncertain Significance.

Ambry Genetics
Classification: Uncertain significance for Hereditary cancer-predisposing syndrome. Last evaluated: 2024-12-17. Review status: criteria provided, single submitter. Criteria: Ambry Variant Classification Scheme 2023. Collection method: clinical testing. Allele origin: germline.
Comment: The p.P378R variant (also known as c.1133C>G), located in coding exon 11 of the TSC2 gene, results from a C to G substitution at nucleotide position 1133. The proline at codon 378 is replaced by arginine, an amino acid with dissimilar properties. This amino acid position is not well conserved in available vertebrate species. In addition, the in silico prediction for this alteration is inconclusive. Based on the available evidence, the clinical significance of this variant remains unclear.

Molecular Pathology, Peter Maccallum Cancer Centre
Classification: Uncertain significance for Tuberous sclerosis 2. Last evaluated: 2024-02-27. Review status: criteria provided, single submitter. Criteria: ACMG Guidelines, 2015. Collection method: clinical testing. Allele origin: germline. Inheritance: Autosomal dominant inheritance.

Fulgent Genetics
Classification: Uncertain significance for Lymphangiomyomatosis; Isolated focal cortical dysplasia type II; Tuberous sclerosis 2. Last evaluated: 2024-02-13. Review status: criteria provided, single submitter. Criteria: ACMG Guidelines, 2015. Collection method: clinical testing. Allele origin: germline.

GeneDx
Classification: Uncertain significance. Last evaluated: 2024-01-03. Review status: criteria provided, single submitter. Criteria: GeneDx Variant Classification Process June 2021. Collection method: clinical testing. Allele origin: germline. Affected: yes.
Comment: In silico analysis supports that this missense variant has a deleterious effect on protein structure/function; Has not been previously published as pathogenic or benign to our knowledge; This variant is associated with the following publications: (PMID: 18466115)

Mayo Clinic Laboratories, Mayo Clinic
Classification: Uncertain significance. Last evaluated: 2022-04-15. Review status: criteria provided, single submitter. Criteria: ACMG Guidelines, 2015. Collection method: clinical testing. Allele origin: germline. Observed: 1 variant allele.
Comment: PM2

Genome-Nilou Lab
Classification: Uncertain significance for Tuberous sclerosis 2. Last evaluated: 2021-11-07. Review status: criteria provided, single submitter. Criteria: ACMG Guidelines, 2015. Collection method: clinical testing. Allele origin: germline. Affected: no.

Baylor Genetics
Classification: Uncertain significance for Lymphangiomyomatosis. Last evaluated: 2018-11-15. Review status: criteria provided, single submitter. Criteria: ACMG Guidelines, 2015. Collection method: clinical testing. Allele origin: maternal. Affected: yes.
Comment: This variant was determined to be of uncertain significance according to ACMG Guidelines, 2015 [PMID:25741868].